The following is an entry in ClinVar:

ClinVar aggregate classification (germline): Uncertain significance. Review status: criteria provided, multiple submitters, no conflicts (2 of 4 stars). 3 submissions from 3 submitters: Uncertain significance (2). 1 of the submissions does not count toward it. Last evaluated 2024-12-10.

Conditions:
Inborn genetic diseases. Identifiers: MedGen C0950123, MeSH D030342.
Retinal dystrophy. Also called: Inherited retinal dystrophy. Identifiers: Orphanet 71862, MedGen C0854723, MeSH D058499, MONDO:0019118, HP:0000556.

Allele frequency attached by ClinVar (database versions not stated): gnomAD 0.00001; gnomAD exomes 0.00001 and 0.00002; ExAC 0.00002; TOPMed 0.00002.
gnomAD v4.1: 33 of 1,613,950 alleles (0.002%); highest among the groups gnomAD compares: Middle Eastern, 0.016%; no homozygotes.

Submissions (3):

Ambry Genetics
Classification: Uncertain significance for Inborn genetic diseases. Last evaluated: 2024-12-10. Review status: criteria provided, single submitter. Criteria: Ambry Variant Classification Scheme 2023. Collection method: clinical testing. Allele origin: germline.

Labcorp Genetics (formerly Invitae), Labcorp
Classification: Uncertain significance. Last evaluated: 2024-08-27. Review status: criteria provided, single submitter. Criteria: Invitae Variant Classification Sherloc (09022015). Collection method: clinical testing. Allele origin: germline.
Comment: This sequence change replaces arginine, which is basic and polar, with tryptophan, which is neutral and slightly polar, at codon 288 of the EMC1 protein (p.Arg288Trp). This variant is present in population databases (rs751352541, gnomAD 0.003%). This variant has not been reported in the literature in individuals affected with EMC1-related conditions. ClinVar contains an entry for this variant (Variation ID: 1353561). Invitae Evidence Modeling of protein sequence and biophysical properties (such as structural, functional, and spatial information, amino acid conservation, physicochemical variation, residue mobility, and thermodynamic stability) has been performed for this missense variant. However, the output from this modeling did not meet the statistical confidence thresholds required to predict the impact of this variant on EMC1 protein function. In summary, the available evidence is currently insufficient to determine the role of this variant in disease. Therefore, it has been classified as a Variant of Uncertain Significance.

Institute of Human Genetics, Univ. Regensburg, Univ. Regensburg
Classification: Uncertain significance for Retinal dystrophy. Last evaluated: 2022-01-01. Review status: no assertion criteria provided. Criteria: ACMG Guidelines, 2015. Collection method: clinical testing. Allele origin: germline. Affected: yes. Not counted in ClinVar's aggregate classification.

NM_015047.3(EMC1):c.862C>T (p.Arg288Trp)

Genes: EMC1 (ER membrane protein complex subunit 1; minus strand), EMC1-AS1 (EMC1 antisense RNA 1; plus strand). Cytogenetic location: 1p36.13.
Variant type: single nucleotide variant.
Coding change: c.862C>T on transcript NM_015047.3 (MANE Select); coding-DNA position 862, C replaced by T.
Protein change: p.Arg288Trp; replaces arginine 288 with tryptophan.
Molecular consequence: missense variant.
Genome position (GRCh38, 1-based): chr1:19,239,910, G>A on the plus strand (C>T on the coding strand, the complement: EMC1 is on the minus strand). VCF-style: chr1-19239910-G-A. GRCh37 (hg19) VCF-style: chr1-19566404-G-A.
Other names: c.862C>T, p.Arg288Trp (NM_001271427.2, NM_001271428.2, NM_001375820.1 and 1 more transcripts); c.796C>T, p.Arg266Trp (NM_001271429.2); c.862C>T (NM_015047.1); short protein forms R266W, R288W.
Identifiers: ClinVar variation 1353561 (VCV001353561.9), dbSNP rs751352541, ClinGen allele CA652768.